The following is an entry in ClinVar:

ClinVar aggregate classification (germline): Uncertain significance. Review status: criteria provided, multiple submitters, no conflicts (2 of 4 stars). 3 submissions from 3 submitters: Uncertain significance (3). Last evaluated 2024-10-29.

Conditions:
Hereditary cancer-predisposing syndrome. Also called: Hereditary neoplastic syndrome; Hereditary Cancer Syndrome; Tumor predisposition; Neoplastic Syndromes, Hereditary. Identifiers: Orphanet 140162, MedGen C0027672, MeSH D009386, MONDO:0015356.
Gorlin syndrome. Also called: Nevoid Basal Cell Carcinoma Syndrome; Basal cell nevus syndrome. Identifiers: Orphanet 377, MedGen C0004779, MONDO:0007187.

gnomAD v4.1: 1 of 1,611,574 alleles (0.000062%); highest among the groups gnomAD compares: Non-Finnish European, 0.000085%; no homozygotes.

Submissions (3):

Ambry Genetics
Classification: Uncertain significance for Hereditary cancer-predisposing syndrome. Last evaluated: 2024-10-29. Review status: criteria provided, single submitter. Criteria: Ambry Variant Classification Scheme 2023. Collection method: clinical testing. Allele origin: germline.
Comment: The p.D48H variant (also known as c.142G>C), located in coding exon 1 of the PTCH1 gene, results from a G to C substitution at nucleotide position 142. The aspartic acid at codon 48 is replaced by histidine, an amino acid with similar properties. This amino acid position is conserved. In addition, the in silico prediction for this alteration is inconclusive. Based on the available evidence, the clinical significance of this variant remains unclear.

GeneDx
Classification: Uncertain significance. Last evaluated: 2024-02-27. Review status: criteria provided, single submitter. Criteria: GeneDx Variant Classification Process June 2021. Collection method: clinical testing. Allele origin: germline. Affected: yes.
Comment: Not observed at significant frequency in large population cohorts (gnomAD); In silico analysis supports that this missense variant does not alter protein structure/function; Has not been previously published as pathogenic or benign to our knowledge

Labcorp Genetics (formerly Invitae), Labcorp
Classification: Uncertain significance for Gorlin syndrome. Last evaluated: 2019-10-28. Review status: criteria provided, single submitter. Criteria: Invitae Variant Classification Sherloc (09022015). Collection method: clinical testing. Allele origin: germline.
Comment: In summary, the available evidence is currently insufficient to determine the role of this variant in disease. Therefore, it has been classified as a Variant of Uncertain Significance. Algorithms developed to predict the effect of missense changes on protein structure and function are either unavailable or do not agree on the potential impact of this missense change (SIFT: "Deleterious"; PolyPhen-2: "Possibly Damaging"; Align-GVGD: "Class C0"). This variant has not been reported in the literature in individuals with PTCH1-related conditions. This variant is not present in population databases (ExAC no frequency). This sequence change replaces aspartic acid with histidine at codon 48 of the PTCH1 protein (p.Asp48His). The aspartic acid residue is moderately conserved and there is a moderate physicochemical difference between aspartic acid and histidine.

NM_000264.5(PTCH1):c.142G>C (p.Asp48His)

Genes: PTCH1 (patched 1; minus strand), LOC130002133 (ATAC-STARR-seq lymphoblastoid silent region 20071; plus strand). Cytogenetic location: 9q22.32.
Variant type: single nucleotide variant.
Coding change: c.142G>C on transcript NM_000264.5 (MANE Select); coding-DNA position 142, G replaced by C.
Protein change: p.Asp48His; replaces aspartic acid 48 with histidine.
Molecular consequence: missense variant. On other transcripts: non-coding transcript variant (1), intron variant (3).
Genome position (GRCh38, 1-based): chr9:95,508,220, C>G on the plus strand (G>C on the coding strand, the complement: PTCH1 is on the minus strand). VCF-style: chr9-95508220-C-G. GRCh37 (hg19) VCF-style: chr9-98270502-C-G.
Other names: c.142G>C, p.Asp48His (NM_001354918.2); c.199-1621G>C (NM_001083603.3); c.4-1621G>C (NM_001083602.3, NM_001354919.2); short protein forms D48H.
Identifiers: ClinVar variation 967360 (VCV000967360.12), dbSNP rs745685305, ClinGen allele CA374121363.